The following is an entry in ClinVar:

ClinVar aggregate classification (germline): Uncertain significance. Review status: criteria provided, multiple submitters, no conflicts (2 of 4 stars). 3 submissions from 3 submitters: Uncertain significance (2). 1 of the submissions does not count toward it. Last evaluated 2026-06-03.

Conditions:
ALG6-congenital disorder of glycosylation 1C (CDG1C). Also called: CDG Ic; Congenital disorder of glycosylation, type Ic; CARBOHYDRATE-DEFICIENT GLYCOPROTEIN SYNDROME, TYPE I, WITH DEFICIENT GLYCOSYLATION OF DOLICHOL-LINKED OLIGOSACCHARIDE; CARBOHYDRATE-DEFICIENT GLYCOPROTEIN SYNDROME, TYPE V; Congenital disorder of glycosylation type 1C. Identifiers: Orphanet 79320, MedGen C2930997, MONDO:0011291, OMIM 603147.
ALG6-related disorder. Also called: ALG6-related condition.

Allele frequency attached by ClinVar (database versions not stated): ExAC 0.00002; gnomAD exomes 0.00002 and 0.00004; TOPMed 0.00002; gnomAD 0.00003.

Submissions (3):

PreventionGenetics, part of Exact Sciences
Classification: Uncertain significance for ALG6-related condition. Last evaluated: 2026-06-03. Review status: criteria provided, single submitter. Criteria: ACMG Guidelines, 2015. Collection method: clinical testing. Allele origin: germline.
Comment: The ALG6 c.881G>A variant is predicted to result in the amino acid substitution p.Arg294His. To our knowledge, this variant has not been reported in the literature. This variant is reported in 0.017% of alleles in individuals of Latino descent in gnomAD. At this time, the clinical significance of this variant is uncertain due to the absence of conclusive functional and genetic evidence.

Labcorp Genetics (formerly Invitae), Labcorp
Classification: Uncertain significance for ALG6-congenital disorder of glycosylation 1C. Last evaluated: 2022-02-05. Review status: criteria provided, single submitter. Criteria: Invitae Variant Classification Sherloc (09022015). Collection method: clinical testing. Allele origin: germline.
Comment: This sequence change replaces arginine, which is basic and polar, with histidine, which is basic and polar, at codon 294 of the ALG6 protein (p.Arg294His). This variant is present in population databases (rs772248256, gnomAD 0.02%). This variant has not been reported in the literature in individuals affected with ALG6-related conditions. ClinVar contains an entry for this variant (Variation ID: 1020314). Algorithms developed to predict the effect of missense changes on protein structure and function output the following: SIFT: "Tolerated"; PolyPhen-2: "Benign"; Align-GVGD: "Class C0". The histidine amino acid residue is found in multiple mammalian species, which suggests that this missense change does not adversely affect protein function. In summary, the available evidence is currently insufficient to determine the role of this variant in disease. Therefore, it has been classified as a Variant of Uncertain Significance.

Natera, Inc.
Classification: Uncertain significance for Congenital disorder of glycosylation type 1c. Last evaluated: 2020-01-23. Review status: no assertion criteria provided. Collection method: clinical testing. Allele origin: germline. Not counted in ClinVar's aggregate classification.

NM_013339.4(ALG6):c.881G>A (p.Arg294His)

Gene: ALG6 (ALG6 alpha-1,3-glucosyltransferase; plus strand). Cytogenetic location: 1p31.3.
Variant type: single nucleotide variant.
Coding change: c.881G>A on transcript NM_013339.4 (MANE Select); coding-DNA position 881, G replaced by A.
Protein change: p.Arg294His; replaces arginine 294 with histidine.
Molecular consequence: missense variant.
Genome position (GRCh38, 1-based): chr1:63,414,125, G>A. VCF-style: chr1-63414125-G-A. GRCh37 (hg19) VCF-style: chr1-63879796-G-A.
Other names: c.881G>A (NM_013339.3); short protein forms R294H.
Identifiers: ClinVar variation 1020314 (VCV001020314.6), dbSNP rs772248256, ClinGen allele CA888282.